The following is an entry in ClinVar:

NM_000038.6(APC):c.2693A>C (p.His898Pro)

Gene: APC (APC regulator of Wnt signaling pathway; plus strand). Cytogenetic location: 5q22.2.
Variant type: single nucleotide variant.
Coding change: c.2693A>C on transcript NM_000038.6 (MANE Select); coding-DNA position 2693, A replaced by C.
Protein change: p.His898Pro; replaces histidine 898 with proline.
Molecular consequence: missense variant.
Genome position (GRCh38, 1-based): chr5:112,838,287, A>C. VCF-style: chr5-112838287-A-C. GRCh37 (hg19) VCF-style: chr5-112173984-A-C.
Other names: c.2693A>C, p.His898Pro (NM_001127510.3, NM_001354895.2); c.2639A>C, p.His880Pro (NM_001127511.3); c.2747A>C, p.His916Pro (NM_001354896.2); c.2723A>C, p.His908Pro (NM_001354897.2); c.2618A>C, p.His873Pro (NM_001354898.2); c.2609A>C, p.His870Pro (NM_001354899.2); c.2570A>C, p.His857Pro (NM_001354900.2); c.2516A>C, p.His839Pro (NM_001354901.2); and 5 more; short protein forms H615P, H738P, H857P, H898P, H908P, H772P, H797P, H870P.
Identifiers: ClinVar variation 651080 (VCV000651080.10), dbSNP rs1580625883, ClinGen allele CA16027209.

ClinVar aggregate classification (germline): Uncertain significance (1 of 4 stars; one submission).

Conditions:
Familial adenomatous polyposis 1 (FAP1). Also called: FAMILIAL ADENOMATOUS POLYPOSIS 1, ATTENUATED; POLYPOSIS, ADENOMATOUS INTESTINAL. Identifiers: MedGen C2713442, MONDO:0021056, OMIM 175100. Disease mechanism: loss of function.

Submission:

Labcorp Genetics (formerly Invitae), Labcorp
Classification: Uncertain significance for Familial adenomatous polyposis 1. Last evaluated: 2018-12-19. Review status: criteria provided, single submitter. Criteria: Invitae Variant Classification Sherloc (09022015). Collection method: clinical testing. Allele origin: germline.
Comment: This sequence change replaces histidine with proline at codon 898 of the APC protein (p.His898Pro). The histidine residue is highly conserved and there is a moderate physicochemical difference between histidine and proline. This variant is not present in population databases (ExAC no frequency). This variant has not been reported in the literature in individuals with APC-related conditions. Algorithms developed to predict the effect of missense changes on protein structure and function are either unavailable or do not agree on the potential impact of this missense change (SIFT: "Deleterious"; PolyPhen-2: "Benign"; Align-GVGD: "Class C0"). In summary, the available evidence is currently insufficient to determine the role of this variant in disease. Therefore, it has been classified as a Variant of Uncertain Significance.